The following is an entry in ClinVar:

NM_001009999.3(KDM1A):c.1779T>A (p.Asn593Lys)

Gene: KDM1A (lysine demethylase 1A; plus strand). Cytogenetic location: 1p36.12.
Variant type: single nucleotide variant.
Coding change: c.1779T>A on transcript NM_001009999.3 (MANE Select); coding-DNA position 1779, T replaced by A.
Protein change: p.Asn593Lys; replaces asparagine 593 with lysine.
Molecular consequence: missense variant.
Genome position (GRCh38, 1-based): chr1:23,077,272, T>A. VCF-style: chr1-23077272-T-A. GRCh37 (hg19) VCF-style: chr1-23403765-T-A.
Other names: c.1725T>A, p.Asn575Lys (NM_001363654.2); c.1707T>A, p.Asn569Lys (NM_015013.4); short protein forms N569K, N575K, N593K.
Identifiers: ClinVar variation 1698247 (VCV001698247.2), dbSNP rs2124538382, ClinGen allele CA338970083.

ClinVar aggregate classification (germline): Uncertain significance (1 of 4 stars; one submission).

Submission:

GeneDx
Classification: Uncertain significance. Last evaluated: 2022-01-19. Review status: criteria provided, single submitter. Criteria: GeneDx Variant Classification Process June 2021. Collection method: clinical testing. Allele origin: germline. Affected: yes.
Comment: Not observed at significant frequency in large population cohorts (gnomAD); In silico analysis supports that this missense variant has a deleterious effect on protein structure/function; Has not been previously published as pathogenic or benign to our knowledge